The following is an entry in ClinVar:

NM_152393.4(KLHL40):c.1132A>T (p.Met378Leu)

Gene: KLHL40 (kelch like family member 40; plus strand). Cytogenetic location: 3p22.1.
Variant type: single nucleotide variant.
Coding change: c.1132A>T on transcript NM_152393.4 (MANE Select); coding-DNA position 1132, A replaced by T.
Protein change: p.Met378Leu; replaces methionine 378 with leucine.
Molecular consequence: missense variant.
Genome position (GRCh38, 1-based): chr3:42,686,750, A>T. VCF-style: chr3-42686750-A-T. GRCh37 (hg19) VCF-style: chr3-42728242-A-T.
Other names: short protein forms M378L.
Identifiers: ClinVar variation 949243 (VCV000949243.6), dbSNP rs1697280326, ClinGen allele CA352292624.

ClinVar aggregate classification (germline): Uncertain significance (1 of 4 stars; one submission).

Conditions:
Nemaline myopathy 8 (NEM8). Also called: Nemaline myopathy 8, autosomal recessive. Identifiers: Orphanet 171430, MedGen C3809209, MONDO:0014138, OMIM 615348.

Submission:

Labcorp Genetics (formerly Invitae), Labcorp
Classification: Uncertain significance for Nemaline myopathy 8. Last evaluated: 2019-05-14. Review status: criteria provided, single submitter. Criteria: Invitae Variant Classification Sherloc (09022015). Collection method: clinical testing. Allele origin: germline.
Comment: This sequence change replaces methionine with leucine at codon 378 of the KLHL40 protein (p.Met378Leu). The methionine residue is highly conserved and there is a small physicochemical difference between methionine and leucine. This variant is not present in population databases (ExAC no frequency). This variant has not been reported in the literature in individuals with KLHL40-related conditions. Algorithms developed to predict the effect of missense changes on protein structure and function (SIFT, PolyPhen-2, Align-GVGD) all suggest that this variant is likely to be tolerated, but these predictions have not been confirmed by published functional studies and their clinical significance is uncertain. In summary, the available evidence is currently insufficient to determine the role of this variant in disease. Therefore, it has been classified as a Variant of Uncertain Significance.